The following is an entry in ClinVar:

NM_001017995.3(SH3PXD2B):c.884C>T (p.Pro295Leu)

Gene: SH3PXD2B (SH3 and PX domains 2B; minus strand). Cytogenetic location: 5q35.1.
Variant type: single nucleotide variant.
Coding change: c.884C>T on transcript NM_001017995.3 (MANE Select); coding-DNA position 884, C replaced by T.
Protein change: p.Pro295Leu; replaces proline 295 with leucine.
Molecular consequence: missense variant.
Genome position (GRCh38, 1-based): chr5:172,350,491, G>A on the plus strand (C>T on the coding strand, the complement: SH3PXD2B is on the minus strand). VCF-style: chr5-172350491-G-A. GRCh37 (hg19) VCF-style: chr5-171777495-G-A.
Other names: c.884C>T (NM_001017995.2); c.884C>T, p.Pro295Leu (NM_001308175.2); short protein forms P295L.
Identifiers: ClinVar variation 809842 (VCV000809842.44), dbSNP rs77955907, ClinGen allele CA3561392.
Genomic context (GRCh38, chr5:172,350,491, plus strand): 5'-TCCTTCTCCCTGCCCACCGCGTTCTGCTGCCGGGAAACACCATCCAAGTCAAGGGCACCC[G>A]GGTGGGAGGGTGAGCCAGGGCCTGGCTTCGGGGGCAAGGGCTCCCCACTGTTCTTCTTTA-3'
Protein context (NP_001017995.1, residues 285-305): PKPGPGSPSH[Pro295Leu]GALDLDGVSR

ClinVar aggregate classification (germline): Uncertain significance. Review status: criteria provided, multiple submitters, no conflicts (2 of 4 stars). 3 submissions from 3 submitters: Uncertain significance (3). Last evaluated 2024-11-14.

Conditions:
Inborn genetic diseases. Identifiers: MedGen C0950123, MeSH D030342.

Allele frequency attached by ClinVar (database versions not stated): TOPMed 0.00005.
gnomAD v4.1: 24 of 1,614,022 alleles (0.0015%); highest among the groups gnomAD compares: Middle Eastern, 0.016%; no homozygotes.

Submissions (3):

Ambry Genetics
Classification: Uncertain significance for Inborn genetic diseases. Last evaluated: 2024-11-14. Review status: criteria provided, single submitter. Criteria: Ambry Variant Classification Scheme 2023. Collection method: clinical testing. Allele origin: germline.

Labcorp Genetics (formerly Invitae), Labcorp
Classification: Uncertain significance. Last evaluated: 2022-06-13. Review status: criteria provided, single submitter. Criteria: Invitae Variant Classification Sherloc (09022015). Collection method: clinical testing. Allele origin: germline.
Comment: This sequence change replaces proline, which is neutral and non-polar, with leucine, which is neutral and non-polar, at codon 295 of the SH3PXD2B protein (p.Pro295Leu). This variant is present in population databases (rs77955907, gnomAD 0.01%). This variant has not been reported in the literature in individuals affected with SH3PXD2B-related conditions. ClinVar contains an entry for this variant (Variation ID: 809842). Algorithms developed to predict the effect of missense changes on protein structure and function output the following: SIFT: "Tolerated"; PolyPhen-2: "Benign"; Align-GVGD: "Class C0". The leucine amino acid residue is found in multiple mammalian species, which suggests that this missense change does not adversely affect protein function. In summary, the available evidence is currently insufficient to determine the role of this variant in disease. Therefore, it has been classified as a Variant of Uncertain Significance.

CeGaT Center for Human Genetics Tuebingen
Classification: Uncertain significance. Last evaluated: 2019-02-01. Review status: criteria provided, single submitter. Criteria: CeGaT Center For Human Genetics Tuebingen Variant Classification Criteria Version 2. Collection method: clinical testing. Allele origin: germline. Affected: yes. Observed: 1 variant allele.